The following is an entry in ClinVar:

ClinVar aggregate classification (germline): Uncertain significance (1 of 4 stars; one submission).

Conditions:
Dilated cardiomyopathy 1G (CMD1G). Identifiers: Orphanet 154, MedGen C1858763, MONDO:0011400, OMIM 604145.

Allele frequency attached by ClinVar (database versions not stated): gnomAD exomes 0.00001.
gnomAD v4.1: 8 of 1,613,106 alleles (0.0005%); highest among the groups gnomAD compares: Middle Eastern, 0.017%; no homozygotes.

Submission:

Baylor Genetics
Classification: Uncertain significance for Dilated cardiomyopathy 1G. Last evaluated: 2020-05-05. Review status: criteria provided, single submitter. Criteria: ACMG Guidelines, 2015. Collection method: clinical testing. Allele origin: unknown. Affected: yes.
Comment: This variant was determined to be of uncertain significance according to ACMG Guidelines, 2015 [PMID:25741868].

NM_001267550.2(TTN):c.26258T>G (p.Val8753Gly)

Gene: TTN (titin; minus strand). Cytogenetic location: 2q31.2.
Variant type: single nucleotide variant.
Coding change: c.26258T>G on transcript NM_001267550.2 (MANE Select); coding-DNA position 26258, T replaced by G.
Protein change: p.Val8753Gly; replaces valine 8753 with glycine.
Molecular consequence: missense variant. On other transcripts: intron variant (3).
Genome position (GRCh38, 1-based): chr2:178,714,516, A>C on the plus strand (T>G on the coding strand, the complement: TTN is on the minus strand). VCF-style: chr2-178714516-A-C. GRCh37 (hg19) VCF-style: chr2-179579243-A-C.
Other names: c.25307T>G, p.Val8436Gly (NM_001256850.1); c.22526T>G, p.Val7509Gly (NM_133378.4); c.13282+23566T>G (NM_003319.4); c.13858+23566T>G (NM_133437.4); c.13657+23566T>G (NM_133432.3); short protein forms V8436G, V8753G, V7509G.
Identifiers: ClinVar variation 1030137 (VCV001030137.1), dbSNP rs867579263, ClinGen allele CA60968278.
Genomic context (GRCh38, chr2:178,714,516, plus strand): 5'-TTATCTTTGAACCACACCACTGAAATGGGTTCAGCGCCTTCAATGGTAGTCTGCAGCTGA[A>C]CTTCTTTACCAACGACAGTAGATATGTCACTGAGCTTCTTCACAAATCTTGGTGGTGCTG-3'
Protein context (NP_001254479.2, residues 8743-8763): SDISTVVGKE[Val8753Gly]QLQTTIEGAE